The following continues an entry in ClinVar:

NM_000545.8(HNF1A):c.608G>A (p.Arg203His)

Gene: HNF1A. ClinVar aggregate classification (germline): Pathogenic. Pathogenic (1).

Submissions 6 to 12 of 12:

GeneDx
Classification: Pathogenic. Last evaluated: 2024-09-03. Review status: criteria provided, single submitter. Criteria: GeneDx Variant Classification Process June 2021. Collection method: clinical testing. Allele origin: germline. Affected: yes. Not counted in ClinVar's aggregate classification.
Comment: A different missense change at this residue (p.(R203C)) has been reported as pathogenic in the published literature and at GeneDx in association with MODY (PMID: 31363388, 21168233); Not observed at significant frequency in large population cohorts (gnomAD); In silico analysis supports that this missense variant has a deleterious effect on protein structure/function; Classified as pathogenic by the ClinGen Monogenic Diabetes Expert Panel (ClinVar SCV002499516.1); This variant is associated with the following publications: (PMID: 18003757, 12488961, 15657605, 11772903, 23274891, 16274290, 15928245, 27271189, 23348805, 12453420, 10588527, 12627330, 30293189, 35472491, 34789499, 36836406, 36227502, 33046911, 32910913, 33950347, 35673428, 36257325, 33477506, 35921062, 27913849, 31363388, 21168233)

Geisinger Clinic, Geisinger Health System
Classification: Pathogenic for Maturity-onset diabetes of the young type 3. Last evaluated: 2022-08-02. Review status: criteria provided, single submitter. Criteria: ACMG Guidelines, 2015. Collection method: research. Allele origin: germline. Inheritance: Autosomal dominant inheritance. Affected: yes. Observed: 1 variant allele. Not counted in ClinVar's aggregate classification.
Comment: PS4, PP1_Strong, PM1, PM2, PP4_Moderate, PP3, PS3_Supporting

Athena Diagnostics
Classification: Pathogenic. Last evaluated: 2022-07-18. Review status: criteria provided, single submitter. Criteria: Athena Diagnostics Criteria. Collection method: clinical testing. Allele origin: unknown. Not counted in ClinVar's aggregate classification.
Comment: The frequency of this variant in the general population is consistent with pathogenicity. This variant has been identified in multiple unrelated individuals with clinical features associated with MODY. This variant is statistically more frequent in affected individuals than in the general population and/or healthy controls. Assessment of experimental evidence suggests this variant results in abnormal protein function. The variant is located in a region that is considered important for protein function and/or structure.

Ambry Genetics
Classification: Likely pathogenic for Maturity-onset diabetes of the young. Last evaluated: 2021-04-07. Review status: criteria provided, single submitter. Criteria: Ambry Variant Classification Scheme 2023. Collection method: clinical testing. Allele origin: germline. Not counted in ClinVar's aggregate classification.
Comment: The p.R203H variant (also known as c.608G>A), located in coding exon 3 of the HNF1A gene, results from a G to A substitution at nucleotide position 608. The arginine at codon 203 is replaced by histidine, an amino acid with highly similar properties. This variant has been reported in multiple individuals and families with features of maturity-onset diabetes of the young (Thanabalasingham G et al. Diabetes, 2013 Apr;62:1329-37; Shepherd M et al. Diabetes Care, 2016 Nov;39:1879-1888; Bansal V et al. BMC Med, 2017 12;15:213; Johansson BB et al. Diabetologia, 2017 04;60:625-635; Bonnefond A et al. Nat Metab, 2020 10;2:1126-1134; Ivanoshchuk DE et al. J Pers Med, 2021 Jan;11:). Based on internal structural analysis, this variant is mildly destabilizing to the local structure (Chi YI et al. Mol Cell, 2002 Nov;10:1129-37; P S et al. PLoS One, 2017 Apr;12:e0174953). This amino acid position is highly conserved in available vertebrate species. In addition, this alteration is predicted to be deleterious by in silico analysis. Based on the majority of available evidence to date, this variant is likely to be pathogenic.

Clinical Genomics, Uppaluri K&H Personalized Medicine Clinic
Classification: Pathogenic for Maturity-onset diabetes of the young. Review status: criteria provided, single submitter. Criteria: K & H Uppaluri Personalized Medicine Clinic Variant Classification & Assertion Criteria_Updated V.1. Collection method: research. Allele origin: unknown. Inheritance: Autosomal dominant inheritance. Not counted in ClinVar's aggregate classification.
Comment: Mutations in HNF1A gene can predispose to MODY3. It is associated with both micro and macrovascular complications of diabetes, especially cardiovascular complications. Associated with glucosuria. May respond well to sulfonylureas. Sufficient evidence is found to confer the association of this particular variant rs587780357 with MODY3.

PreventionGenetics, part of Exact Sciences
Classification: Pathogenic for HNF1A-related condition. Last evaluated: 2024-02-29. Review status: no assertion criteria provided. Collection method: clinical testing. Allele origin: germline. Not counted in ClinVar's aggregate classification.
Comment: The HNF1A c.608G>A variant is predicted to result in the amino acid substitution p.Arg203His. This variant has been reported in several individuals with maturity-onset diabetes of the young (MODY) (see examples: Ng et al. 1999. PubMed ID: 10588527; Wang et al. 2018. PubMed ID: 30293189; Ma et al. 2020. PubMed ID: 32238361; Thanabalasingham et al. 2012. PubMed ID: 23274891; Wang DW et al 2022. PubMed ID: 35921062). In vitro functional studies demonstrate that expression of this variant results in protein mislocalization and reduced DNA binding ability compared to wild-type (Bjørkhaug L et al 2005. PubMed ID: 16274290; Figure S5, Althari et al. 2020. PubMed ID: 32910913). This variant is reported in 0.0062% of alleles in individuals of African descent in gnomAD. This variant has been interpreted as pathogenic by the ClinGen monogenic diabetes variant curation expert panel (VCEP). Additionally, different missense changes impacting the same amino acid (p.Arg203Ser, p.Arg203Gly, p.Arg203Cys) have been reported in individuals with MODY (Colclough et al. 2013. PubMed ID: 23348805; Lopez et al. 2011. PubMed ID: 21168233). Taken together, the c.608G>A (p.Arg205His) variant is interpreted as pathogenic.

Genetic Services Laboratory, University of Chicago
Classification: Likely pathogenic for Diabetes mellitus type 1. Last evaluated: 2017-08-23. Review status: no assertion criteria provided. Collection method: clinical testing. Allele origin: germline. Affected: yes. Not counted in ClinVar's aggregate classification.
Comment: DNA sequence analysis of the HNF1A gene demonstrated a sequence change, c.608G>A, in exon 3 that results in an amino acid change, p.Arg203His. The p.Arg203His change affects a highly conserved amino acid residue located in a domain of the HNF1A protein that is known to be functional. The p.Arg203His substitution appears to be possibly damaging using several in-silico pathogenicity prediction tools (SIFT, PolyPhen2, REVEL). The p.Arg203His amino acid change has been described in the literature in one patient with early-onset diabetes (Ng et al., 1999. Diabet Med 16:956-63). In addition, different pathogenic sequence changes affecting the same amino acid residue (p.Arg203) has been described in patients with HNF1A-related maturity-onset diabetes of the young (MODY) (Lopez et al., 2011. Diabetes Res Clin Pract 91:208-12; Colclough et al., 2013. Hum Mutat 34:669-85; Yamada et al., 1999. Diabetes 48: 645-8).

Literature cited by the submitters: PubMed 32910913 (cited by Nephrology Department, Shuyang Hospital of TCM, Shuyang Hospital of Traditional Chinese Medicine and Athena Diagnostics); PubMed 37798422 (cited by Nephrology Department, Shuyang Hospital of TCM, Shuyang Hospital of Traditional Chinese Medicine); PubMed 10588527 (cited by 4 submitters); PubMed 30293189 (cited by 4 submitters); PubMed 12627330 (cited by 3 submitters); PubMed 15928245 (cited by 3 submitters); PubMed 16274290 (cited by 3 submitters); PubMed 21168233 (cited by Labcorp Genetics (formerly Invitae), Labcorp); PubMed 31363388 (cited by Labcorp Genetics (formerly Invitae), Labcorp); PubMed 36257325 (cited by Geisinger Clinic, Geisinger Health System); PubMed 23348805 (cited by Athena Diagnostics); PubMed 23274891 (cited by Athena Diagnostics and Ambry Genetics); PubMed 12453420 (cited by Athena Diagnostics and Ambry Genetics); PubMed 9727913 (cited by Athena Diagnostics); PubMed 11315828 (cited by Athena Diagnostics); PubMed 15657605 (cited by Athena Diagnostics); PubMed 33046911 (cited by Athena Diagnostics and Ambry Genetics); PubMed 27271189 (cited by Ambry Genetics); PubMed 27913849 (cited by Ambry Genetics); PubMed 28410371 (cited by Ambry Genetics); PubMed 29207974 (cited by Ambry Genetics); PubMed 33477506 (cited by Ambry Genetics and Clinical Genomics, Uppaluri K&H Personalized Medicine Clinic); PubMed 32238361 (cited by Clinical Genomics, Uppaluri K&H Personalized Medicine Clinic).